The following is an entry in ClinVar:

NM_004667.6(HERC2):c.13883C>T (p.Ala4628Val)

Gene: HERC2 (HECT and RLD domain containing E3 ubiquitin protein ligase 2; minus strand). Cytogenetic location: 15q13.1.
Variant type: single nucleotide variant.
Coding change: c.13883C>T on transcript NM_004667.6 (MANE Select); coding-DNA position 13883, C replaced by T.
Protein change: p.Ala4628Val; replaces alanine 4628 with valine.
Molecular consequence: missense variant.
Genome position (GRCh38, 1-based): chr15:28,114,642, G>A on the plus strand (C>T on the coding strand, the complement: HERC2 is on the minus strand). VCF-style: chr15-28114642-G-A. GRCh37 (hg19) VCF-style: chr15-28359788-G-A.
Other names: c.13883C>T (NM_004667.5); short protein forms A4628V.
Identifiers: ClinVar variation 2216440 (VCV002216440.5), dbSNP rs371771613, ClinGen allele CA7439820.

ClinVar aggregate classification (germline): Uncertain significance. Review status: criteria provided, multiple submitters, no conflicts (2 of 4 stars). 3 submissions from 3 submitters: Uncertain significance (3). Last evaluated 2024-08-22.

Conditions:
Inborn genetic diseases. Identifiers: MedGen C0950123, MeSH D030342.

Allele frequency attached by ClinVar (database versions not stated): gnomAD exomes 0.00002; ExAC 0.00004; ESP Exome Variant Server 0.00008; gnomAD 0.00013; TOPMed 0.00020.
gnomAD v4.1: 45 of 1,613,956 alleles (0.0028%); highest among the groups gnomAD compares: African/African-American, 0.041%; no homozygotes.

Submissions (3):

GeneDx
Classification: Uncertain significance. Last evaluated: 2024-08-22. Review status: criteria provided, single submitter. Criteria: GeneDx Variant Classification Process June 2021. Collection method: clinical testing. Allele origin: germline. Affected: yes.
Comment: In silico analysis indicates that this missense variant does not alter protein structure/function; Has not been previously published as pathogenic or benign to our knowledge

Greenwood Genetic Center Diagnostic Laboratories, Greenwood Genetic Center
Classification: Uncertain significance. Last evaluated: 2023-06-29. Review status: criteria provided, single submitter. Criteria: ACMG Guidelines, 2015. Collection method: clinical testing. Allele origin: germline. Affected: yes.
Comment: PM2

Ambry Genetics
Classification: Uncertain significance for Inborn genetic diseases. Last evaluated: 2021-07-26. Review status: criteria provided, single submitter. Criteria: Ambry Variant Classification Scheme 2023. Collection method: clinical testing. Allele origin: germline.